The following is an entry in ClinVar:

NM_183357.3(ADCY5):c.434C>G (p.Ser145Trp)

Gene: ADCY5 (adenylate cyclase 5; minus strand). Cytogenetic location: 3q21.1.
Variant type: single nucleotide variant.
Coding change: c.434C>G on transcript NM_183357.3 (MANE Select); coding-DNA position 434, C replaced by G.
Protein change: p.Ser145Trp; replaces serine 145 with tryptophan.
Molecular consequence: missense variant.
Genome position (GRCh38, 1-based): chr3:123,448,112, G>C on the plus strand (C>G on the coding strand, the complement: ADCY5 is on the minus strand). VCF-style: chr3-123448112-G-C. GRCh37 (hg19) VCF-style: chr3-123166959-G-C.
Other names: c.434C>G, p.Ser145Trp (NM_001378259.1); short protein forms S145W.
Identifiers: ClinVar variation 3376785 (VCV003376785.1).
Genomic context (GRCh38, chr3:123,448,112, plus strand): 5'-CCCCGCCGCTCCTCCAGACCCACCTCCACCGAGCGAGGGCGCACCTCCGTCCCGCCCGCC[G>C]AGGCAGCCGCCGCCGCCGAGCCGCCGCCGCCGCCCGCAGGGGGCGCCCGGGTGCTGCCCC-3'
Protein context (NP_899200.1, residues 135-155): GGGGSAAAAA[Ser145Trp]AGGTEVRPRS

ClinVar aggregate classification (germline): Uncertain significance (1 of 4 stars; one submission).

Conditions:
Dyskinesia with orofacial involvement, autosomal dominant (DSKOD). Also called: Dyskinesia, familial, with facial myokymia; Familial Dyskinesia with Facial Myokymia (FDFM); Familial dyskinesia and facial myokymia. Identifiers: Orphanet 324588, MedGen C1847627, MONDO:0800028, OMIM 606703.

gnomAD v4.1: 2 of 1,118,372 alleles (0.00018%); highest among the groups gnomAD compares: Non-Finnish European, 0.00022%; no homozygotes.

Submission:

Victorian Clinical Genetics Services, Murdoch Childrens Research Institute
Classification: Uncertain significance for Dyskinesia with orofacial involvement, autosomal dominant. Last evaluated: 2020-10-15. Review status: criteria provided, single submitter. Criteria: ACMG Guidelines, 2015. Collection method: clinical testing. Allele origin: germline. Inheritance: Autosomal dominant inheritance.
Comment: A heterozygous missense variant was identified, NM_183357.2(ADCY5):c.434C>G in exon 1 of 21 of the ADCY5 gene (NB: This variant is non-coding in alternative transcript, NM_001199642.1). This substitution is predicted to create a major amino acid change from serine to tryptophan at position 145 of the protein, NP_899200.1(ADCY5):p.(Ser145Trp). The serine at this position has low conservation (100 vertebrates, UCSC), but is located within the AC_N domain. In silico software predictions of the pathogenicity of this variant are conflicting (Polyphen, SIFT, CADD, Mutation Taster). The variant is not present in the gnomAD population database, but is in a region of low coverage. The variant has not been previously reported in a clinical testing setting. Based on information available at the time of curation, this variant has been classified as a VARIANT of UNCERTAIN SIGNIFICANCE (VUS).